The following is an entry in ClinVar:

NM_198253.3(TERT):c.909C>G (p.His303Gln)

Gene: TERT (telomerase reverse transcriptase; minus strand). Cytogenetic location: 5p15.33.
Variant type: single nucleotide variant.
Coding change: c.909C>G on transcript NM_198253.3 (MANE Select); coding-DNA position 909, C replaced by G.
Protein change: p.His303Gln; replaces histidine 303 with glutamine.
Molecular consequence: missense variant. On other transcripts: non-coding transcript variant (2).
Genome position (GRCh38, 1-based): chr5:1,293,977, G>C on the plus strand (C>G on the coding strand, the complement: TERT is on the minus strand). VCF-style: chr5-1293977-G-C. GRCh37 (hg19) VCF-style: chr5-1294092-G-C.
Other names: c.909C>G, p.His303Gln (NM_001193376.3); short protein forms H303Q.
Identifiers: ClinVar variation 3455224 (VCV003455224.1).

ClinVar aggregate classification (germline): Uncertain significance (1 of 4 stars; one submission).

Conditions:
Dyskeratosis congenita. Identifiers: Orphanet 1775, MedGen C0265965, MONDO:0015780.

Submission:

Ambry Genetics
Classification: Uncertain significance for Dyskeratosis congenita. Last evaluated: 2024-12-02. Review status: criteria provided, single submitter. Criteria: Ambry Variant Classification Scheme 2023. Collection method: clinical testing. Allele origin: germline.
Comment: The p.H303Q variant (also known as c.909C>G), located in coding exon 2 of the TERT gene, results from a C to G substitution at nucleotide position 909. The histidine at codon 303 is replaced by glutamine, an amino acid with highly similar properties. This amino acid position is conserved. In addition, this alteration is predicted to be tolerated by in silico analysis. Based on the available evidence, the clinical significance of this variant remains unclear.